The following is an entry in ClinVar:

ClinVar aggregate classification (germline): Uncertain significance (0 of 4 stars; one submission).

Conditions:
TRIO-related disorder. Also called: TRIO-related disorders; TRIO-related condition.

Submission:

PreventionGenetics, part of Exact Sciences
Classification: Uncertain significance for TRIO-related condition. Last evaluated: 2023-12-06. Review status: no assertion criteria provided. Collection method: clinical testing. Allele origin: germline.
Comment: The TRIO c.7666A>T variant is predicted to result in the amino acid substitution p.Met2556Leu. To our knowledge, this variant has not been reported in the literature or in a large population database, indicating this variant is rare. At this time, the clinical significance of this variant is uncertain due to the absence of conclusive functional and genetic evidence.

NM_007118.4(TRIO):c.7666A>T (p.Met2556Leu)

Gene: TRIO (trio Rho guanine nucleotide exchange factor; plus strand). Cytogenetic location: 5p15.2.
Variant type: single nucleotide variant.
Coding change: c.7666A>T on transcript NM_007118.4 (MANE Select); coding-DNA position 7666, A replaced by T.
Protein change: p.Met2556Leu; replaces methionine 2556 with leucine.
Molecular consequence: missense variant. On other transcripts: non-coding transcript variant (1).
Genome position (GRCh38, 1-based): chr5:14,492,600, A>T. VCF-style: chr5-14492600-A-T. GRCh37 (hg19) VCF-style: chr5-14492709-A-T.
Other names: short protein forms M2556L.
Identifiers: ClinVar variation 3032193 (VCV003032193.2), dbSNP rs955511080, ClinGen allele CA359238195.
Genomic context (GRCh38, chr5:14,492,600, plus strand): 5'-TCTCTGTCTTCATCTGTCCCTCTGCAGAGTGAAAGCAGCAGCAGTAGCAACATCTCCACC[A>T]TGTTGGTGACACACGATTACACGGCAGTGAAGGAGGATGAGATCAACGTCTACCAAGGAG-3'
Protein context (NP_009049.2, residues 2546-2566): ESSSSSNIST[Met2556Leu]LVTHDYTAVK